The following is an entry in ClinVar:

NM_032043.3(BRIP1):c.872del (p.Asn291fs)

Gene: BRIP1 (BRCA1 interacting DNA helicase 1; minus strand). Cytogenetic location: 17q23.2.
Variant type: Deletion.
Coding change: c.872del on transcript NM_032043.3 (MANE Select); coding-DNA position 872, one base deleted (A; older notation c.872delA).
Protein change: p.Asn291fs; shifts the reading frame from asparagine 291.
Molecular consequence: frameshift variant.
Genome position (GRCh38, 1-based): chr17:61,808,513, T deleted on the plus strand (A on the coding strand, the reverse complement: BRIP1 is on the minus strand); the first of 2 consecutive T bases (chr17:61,808,513-61,808,514); deleting either gives the same sequence. VCF-style (leftmost placement, unchanged base first): chr17-61808512-GT-G. GRCh37 (hg19) VCF-style: chr17-59885873-GT-G.
Other names: c.872delA (NM_032043.2); short protein forms N291fs.
Identifiers: ClinVar variation 3760098 (VCV003760098.3).

ClinVar aggregate classification (germline): Pathogenic. Review status: criteria provided, multiple submitters, no conflicts (2 of 4 stars). 2 submissions from 2 submitters: Pathogenic (2). Last evaluated 2026-04-29.

Conditions:
Hereditary cancer-predisposing syndrome. Also called: Hereditary Cancer Syndrome; Hereditary neoplastic syndrome; Neoplastic Syndromes, Hereditary; Tumor predisposition. Identifiers: Orphanet 140162, MedGen C0027672, MeSH D009386, MONDO:0015356.
Fanconi anemia complementation group J. Also called: BRIP1-Related Fanconi Anemia. Identifiers: Orphanet 84, MedGen C1836860, MONDO:0012187, OMIM 609054.
Familial cancer of breast. Also called: hereditary breast carcinoma; BREAST CANCER, FAMILIAL; Hereditary breast cancer. Identifiers: Orphanet 227535, MedGen C0346153, MONDO:0016419, OMIM 114480. Disease mechanism: loss of function.

Submissions (2):

Ambry Genetics
Classification: Pathogenic for Hereditary cancer-predisposing syndrome. Last evaluated: 2026-04-29. Review status: criteria provided, single submitter. Criteria: Ambry Variant Classification Scheme 2023. Collection method: clinical testing. Allele origin: germline.
Comment: The c.872delA pathogenic mutation, located in coding exon 6 of the BRIP1 gene, results from a deletion of one nucleotide at nucleotide position 872, causing a translational frameshift with a predicted alternate stop codon (p.N291Tfs*12). This variant is considered to be rare based on population cohorts in the Genome Aggregation Database (gnomAD). This alteration is expected to result in loss of function by premature protein truncation or nonsense-mediated mRNA decay. As such, this alteration is interpreted as a disease-causing mutation.

Labcorp Genetics (formerly Invitae), Labcorp
Classification: Pathogenic for Familial cancer of breast; Fanconi anemia complementation group J. Last evaluated: 2024-12-18. Review status: criteria provided, single submitter. Criteria: Invitae Variant Classification Sherloc (09022015). Collection method: clinical testing. Allele origin: germline.
Comment: This sequence change creates a premature translational stop signal (p.Asn291Thrfs*12) in the BRIP1 gene. It is expected to result in an absent or disrupted protein product. Loss-of-function variants in BRIP1 are known to be pathogenic (PMID: 16116423, 17033622, 21964575). This variant is not present in population databases (gnomAD no frequency). This variant has not been reported in the literature in individuals affected with BRIP1-related conditions. For these reasons, this variant has been classified as Pathogenic.

Literature cited by the submitters: PubMed 16116423 (cited by Labcorp Genetics (formerly Invitae), Labcorp); PubMed 17033622 (cited by Labcorp Genetics (formerly Invitae), Labcorp); PubMed 21964575 (cited by Labcorp Genetics (formerly Invitae), Labcorp).